The following is an entry in ClinVar:

NM_005896.4(IDH1):c.546G>A (p.Met182Ile)

Gene: IDH1 (isocitrate dehydrogenase (NADP(+)) 1; minus strand). Cytogenetic location: 2q34.
Variant type: single nucleotide variant.
Coding change: c.546G>A on transcript NM_005896.4 (MANE Select); coding-DNA position 546, G replaced by A.
Protein change: p.Met182Ile; replaces methionine 182 with isoleucine.
Molecular consequence: missense variant.
Genome position (GRCh38, 1-based): chr2:208,243,579, C>T on the plus strand (G>A on the coding strand, the complement: IDH1 is on the minus strand). VCF-style: chr2-208243579-C-T. GRCh37 (hg19) VCF-style: chr2-209108303-C-T.
Other names: c.546G>A, p.Met182Ile (NM_001282386.1, NM_001282387.1); short protein forms M182I.
Identifiers: ClinVar variation 2453220 (VCV002453220.2), dbSNP rs781132701, ClinGen allele CA350099715.
Genomic context (GRCh38, chr2:208,243,579, plus strand): 5'-AGACAGAGCCATTTGGAAGGAACTGTGTGCAAAATCTTCAATTGACTTATCTTGATTATA[C>T]ATCCCCATGGCAACACCACCACCTTCTGTAGAGGAGAAGCCAGTGAGAGGAAAAAAGGGA-3'
Protein context (NP_005887.2, residues 172-192): FEEGGGVAMG[Met182Ile]YNQDKSIEDF

ClinVar aggregate classification (germline): Uncertain significance (1 of 4 stars; one submission).

Submission:

Ambry Genetics
Classification: Uncertain significance. Last evaluated: 2022-11-07. Review status: criteria provided, single submitter. Criteria: Ambry Variant Classification Scheme 2023. Collection method: clinical testing. Allele origin: germline.
Comment: The p.M182I variant (also known as c.546G>A), located in coding exon 4 of the IDH1 gene, results from a G to A substitution at nucleotide position 546. The methionine at codon 182 is replaced by isoleucine, an amino acid with highly similar properties. This amino acid position is conserved. In addition, this alteration is predicted to be deleterious by in silico analysis. Since supporting evidence is limited at this time, the clinical significance of this alteration remains unclear.